The following is an entry in ClinVar:

NM_000540.3(RYR1):c.5035C>T (p.Arg1679Cys)

Gene: RYR1 (ryanodine receptor 1; plus strand). Cytogenetic location: 19q13.2.
Variant type: single nucleotide variant.
Coding change: c.5035C>T on transcript NM_000540.3 (MANE Select); coding-DNA position 5035, C replaced by T.
Protein change: p.Arg1679Cys; replaces arginine 1679 with cysteine.
Molecular consequence: missense variant.
Genome position (GRCh38, 1-based): chr19:38,485,690, C>T. VCF-style: chr19-38485690-C-T. GRCh37 (hg19) VCF-style: chr19-38976330-C-T.
Other names: c.5035C>T, p.Arg1679Cys (NM_001042723.2); short protein forms R1679C.
Identifiers: ClinVar variation 4757312 (VCV004757312.1).

ClinVar aggregate classification (germline): Uncertain significance (1 of 4 stars; one submission).

Conditions:
Malignant hyperthermia, susceptibility to, 1 (MHS1). Also called: RYR1-Related Malignant Hyperthermia Susceptibility; Malignant hyperthermia suceptibility 1; Anesthesia related hyperthermia; Malignant hyperpyrexia; Fulminating hyperpyrexia; Pharmacogenic myopathy. Identifiers: Orphanet 423, MedGen C2930980, MONDO:0007783, OMIM 145600.

gnomAD v4.1: 3 of 1,611,060 alleles (0.00019%); highest among the groups gnomAD compares: East Asian, 0.0022%; no homozygotes.

Submission:

Color Diagnostics, LLC DBA Color Health
Classification: Uncertain significance for Malignant hyperthermia, susceptibility to, 1. Last evaluated: 2025-06-17. Review status: criteria provided, single submitter. Criteria: ACMG Guidelines, 2015. Collection method: clinical testing. Allele origin: germline.
Comment: This missense variant replaces arginine with cysteine at codon 1679 of the RYR1 protein. Computational prediction suggests that this variant may have deleterious impact on protein structure and function. To our knowledge, functional studies have not been reported for this variant. This variant has not been reported in individuals affected with RYR1-related disorders in the literature. This variant has not been identified in the general population by the Genome Aggregation Database (gnomAD). The available evidence is insufficient to determine the role of this variant in disease conclusively. Therefore, this variant is classified as a Variant of Uncertain Significance.